The following continues an entry in ClinVar:

NM_003060.4(SLC22A5):c.1319C>T (p.Thr440Met)

Gene: SLC22A5. ClinVar aggregate classification (germline): Pathogenic. Pathogenic (15).

Submissions 13 to 17 of 17:

Ambry Genetics
Classification: Pathogenic for Inborn genetic diseases. Last evaluated: 2016-03-08. Review status: criteria provided, single submitter. Criteria: Ambry exome assertion method (8-5-2015). Collection method: clinical testing. Allele origin: germline. Affected: yes. Observed: 1 variant allele.

Eurofins Ntd Llc (ga)
Classification: Pathogenic. Last evaluated: 2013-12-30. Review status: criteria provided, single submitter. Criteria: EGL Classification Definitions 2015. Collection method: clinical testing. Allele origin: germline. Observed: 2 variant alleles, 2 heterozygotes.

HudsonAlpha Institute for Biotechnology
Classification: Pathogenic for Renal carnitine transport defect. Last evaluated: 2013-10-21. Review status: criteria provided, single submitter. Criteria: HA_assertions_20150911. Collection method: research. Allele origin: unknown. Affected: yes. Observed: 1 variant allele. Study: CSER-HudsonAlpha.

PreventionGenetics, part of Exact Sciences
Classification: Pathogenic for SLC22A5-related condition. Last evaluated: 2024-08-13. Review status: no assertion criteria provided. Collection method: clinical testing. Allele origin: germline. Not counted in ClinVar's aggregate classification.
Comment: The SLC22A5 c.1319C>T variant is predicted to result in the amino acid substitution p.Thr440Met. This variant has been reported, in the homozygous or compound heterozygous state, in multiple patients with systemic primary carnitine deficiency (e.g., Lamhonwah et al. 2002. PubMed ID: 12210323; Amat di San Filippo et al. 2006. PubMed ID: 16652335; Li et al. 2010. PubMed ID: 20574985; Angelini. 2015. PubMed ID: 24997454). In in vitro assays, the p.Thr440Met substitution has been shown to nearly abolish carnitine transport (Amat di San Filippo et al. 2006. PubMed ID: 16652335; Frigeni et al. 2017. PubMed ID: 28841266). This variant is reported in 0.0026% of alleles in individuals of European (Non-Finnish) descent in gnomAD. Based on the available evidence, we interpret this variant as pathogenic.

Natera, Inc.
Classification: Pathogenic for Carnitine deficiency. Last evaluated: 2020-02-02. Review status: no assertion criteria provided. Collection method: clinical testing. Allele origin: germline. Not counted in ClinVar's aggregate classification.

Literature cited by the submitters: PubMed 12210323 (cited by 5 submitters); PubMed 16652335 (cited by 4 submitters); PubMed 16830263 (cited by 3 submitters); PubMed 20574985 (cited by 4 submitters); PubMed 21922592 (cited by Labcorp Genetics (formerly Invitae), Labcorp and Women's Health and Genetics/Laboratory Corporation of America, LabCorp); PubMed 24997454 (cited by Labcorp Genetics (formerly Invitae), Labcorp and Women's Health and Genetics/Laboratory Corporation of America, LabCorp); PubMed 32276632 (cited by Mayo Clinic Laboratories, Mayo Clinic); PubMed 37979236 (cited by Mayo Clinic Laboratories, Mayo Clinic).